The following is an entry in ClinVar:

NM_002890.3(RASA1):c.31G>A (p.Gly11Ser)

Gene: RASA1 (RAS p21 protein activator 1; plus strand). Cytogenetic location: 5q14.3.
Variant type: single nucleotide variant.
Coding change: c.31G>A on transcript NM_002890.3 (MANE Select); coding-DNA position 31, G replaced by A.
Protein change: p.Gly11Ser; replaces glycine 11 with serine.
Molecular consequence: missense variant.
Genome position (GRCh38, 1-based): chr5:87,268,482, G>A. VCF-style: chr5-87268482-G-A. GRCh37 (hg19) VCF-style: chr5-86564299-G-A.
Other names: short protein forms G11S.
Identifiers: ClinVar variation 1941402 (VCV001941402.5), dbSNP rs774248606, ClinGen allele CA3335309.

ClinVar aggregate classification (germline): Uncertain significance (1 of 4 stars; one submission).

Conditions:
Capillary malformation-arteriovenous malformation syndrome. Also called: Capillary malformation-arteriovenous malformation. Identifiers: Orphanet 137667, MedGen C1842180, MONDO:0012016.

Allele frequency attached by ClinVar (database versions not stated): gnomAD exomes below 0.00001; ExAC 0.00006.
gnomAD v4.1: 1 of 1,554,772 alleles (0.000064%); highest among the groups gnomAD compares: Non-Finnish European, 0.000087%; no homozygotes.

Submission:

Labcorp Genetics (formerly Invitae), Labcorp
Classification: Uncertain significance for Capillary malformation-arteriovenous malformation syndrome. Last evaluated: 2025-12-15. Review status: criteria provided, single submitter. Criteria: Invitae Variant Classification Sherloc (09022015). Collection method: clinical testing. Allele origin: germline.
Comment: This sequence change replaces glycine, which is neutral and non-polar, with serine, which is neutral and polar, at codon 11 of the RASA1 protein (p.Gly11Ser). This variant is present in population databases (rs774248606, gnomAD 0.002%). This variant has not been reported in the literature in individuals affected with RASA1-related conditions. ClinVar contains an entry for this variant (Variation ID: 1941402). An algorithm developed to predict the effect of missense changes on protein structure and function (PolyPhen-2) suggests that this variant is likely to be disruptive. In summary, the available evidence is currently insufficient to determine the role of this variant in disease. Therefore, it has been classified as a Variant of Uncertain Significance.